The following is an entry in ClinVar:

NM_004360.5(CDH1):c.1296C>T (p.Asn432=)

Gene: CDH1 (cadherin 1; plus strand). Cytogenetic location: 16q22.1.
Variant type: single nucleotide variant.
Coding change: c.1296C>T on transcript NM_004360.5 (MANE Select); coding-DNA position 1296, C replaced by T.
Protein change: p.Asn432=; no amino-acid change (asparagine 432 retained).
Molecular consequence: synonymous variant. On other transcripts: 5 prime UTR variant (2), intron variant (1).
Genome position (GRCh38, 1-based): chr16:68,813,471, C>T. VCF-style: chr16-68813471-C-T. GRCh37 (hg19) VCF-style: chr16-68847374-C-T.
Other names: c.1296C>T (LRG_301t1); c.-320C>T (NM_001317185.2); c.-524C>T (NM_001317186.2); c.1137+1208C>T (NM_001317184.2).
Identifiers: ClinVar variation 185290 (VCV000185290.31), dbSNP rs187862045, ClinGen allele CA191538.

ClinVar aggregate classification (germline): Benign/Likely benign. Review status: criteria provided, multiple submitters, no conflicts (2 of 4 stars). 13 submissions from 13 submitters: Benign (4); Likely benign (7). 2 of the submissions do not count toward it. Last evaluated 2026-01-10.

Conditions:
CDH1-related disorder. Also called: CDH1-related condition.
Breast and/or ovarian cancer. Identifiers: MedGen CN221562.
Hereditary cancer-predisposing syndrome. Also called: Tumor predisposition; Neoplastic Syndromes, Hereditary; Hereditary neoplastic syndrome; Hereditary Cancer Syndrome. Identifiers: Orphanet 140162, MedGen C0027672, MeSH D009386, MONDO:0015356.
Hereditary diffuse gastric adenocarcinoma (HDGC). Also called: DIFFUSE GASTRIC AND LOBULAR BREAST CANCER SYNDROME. Identifiers: Orphanet 26106, MedGen C1708349, MONDO:0007648, OMIM 137215.
Malignant tumor of breast. Also called: Malignant breast neoplasm; Cancer breast. Identifiers: MedGen C0006142, MONDO:0007254. Disease mechanism: loss of function.

Allele frequency attached by ClinVar (database versions not stated): gnomAD 0.00019; 1000 Genomes Project 0.00020; TOPMed 0.00001; 1000 Genomes Project 30x 0.00016.
gnomAD v4.1: 65 of 1,614,146 alleles (0.004%); highest among the groups gnomAD compares: Admixed American, 0.0067%; no homozygotes.

Submissions (13):

Labcorp Genetics (formerly Invitae), Labcorp
Classification: Likely benign for Hereditary diffuse gastric adenocarcinoma. Last evaluated: 2026-01-10. Review status: criteria provided, single submitter. Criteria: Invitae Variant Classification Sherloc (09022015). Collection method: clinical testing. Allele origin: germline.

Quest Diagnostics Nichols Institute San Juan Capistrano
Classification: Benign. Last evaluated: 2025-09-24. Review status: criteria provided, single submitter. Criteria: Quest Diagnostics criteria. Collection method: clinical testing. Allele origin: unknown.

ARUP Laboratories, Molecular Genetics and Genomics, ARUP Laboratories
Classification: Likely benign. Last evaluated: 2025-05-27. Review status: criteria provided, single submitter. Criteria: ARUP Molecular Germline Variant Investigation Process 2024. Collection method: clinical testing. Allele origin: germline.

Blueprint Genetics
Classification: Likely benign. Last evaluated: 2024-10-08. Review status: criteria provided, single submitter. Criteria: ACMG Guidelines, 2015. Collection method: clinical testing. Allele origin: germline.

Myriad Genetics, Inc.
Classification: Benign for Hereditary diffuse gastric adenocarcinoma. Last evaluated: 2024-09-18. Review status: criteria provided, single submitter. Criteria: Myriad Autosomal Dominant, Autosomal Recessive and X-Linked Classification Criteria (2023). Collection method: clinical testing. Allele origin: unknown.
Comment: This variant is considered benign. This variant is a silent/synonymous amino acid change and it is not expected to impact splicing.

Sema4
Classification: Likely benign for Hereditary cancer-predisposing syndrome. Last evaluated: 2021-11-15. Review status: criteria provided, single submitter. Criteria: Sema4 Curation Guidelines. Collection method: curation. Allele origin: germline.

CHEO Genetics Diagnostic Laboratory, Children's Hospital of Eastern Ontario
Classification: Likely benign for Breast and/or ovarian cancer. Last evaluated: 2020-11-06. Review status: criteria provided, single submitter. Criteria: ACMG Guidelines, 2015. Collection method: clinical testing. Allele origin: germline.

Women's Health and Genetics/Laboratory Corporation of America, LabCorp
Classification: Benign. Last evaluated: 2020-07-30. Review status: criteria provided, single submitter. Criteria: LabCorp Variant Classification Summary - May 2015. Collection method: clinical testing. Allele origin: germline.

Color Diagnostics, LLC DBA Color Health
Classification: Likely benign for Hereditary cancer-predisposing syndrome. Last evaluated: 2017-06-12. Review status: criteria provided, single submitter. Criteria: ACMG Guidelines, 2015. Collection method: clinical testing. Allele origin: germline.

GeneDx
Classification: Benign. Last evaluated: 2015-03-03. Review status: criteria provided, single submitter. Criteria: GeneDx Variant Classification Process June 2021. Collection method: clinical testing. Allele origin: germline. Affected: yes.

Ambry Genetics
Classification: Likely benign for Hereditary cancer-predisposing syndrome. Last evaluated: 2014-12-11. Review status: criteria provided, single submitter. Criteria: Ambry Variant Classification Scheme 2023. Collection method: clinical testing. Allele origin: germline.

PreventionGenetics, part of Exact Sciences
Classification: Likely benign for CDH1-related condition. Last evaluated: 2022-12-20. Review status: no assertion criteria provided. Collection method: clinical testing. Allele origin: germline. Not counted in ClinVar's aggregate classification.
Comment: This variant is classified as likely benign based on ACMG/AMP sequence variant interpretation guidelines (Richards et al. 2015 PMID: 25741868, with internal and published modifications).

Department of Pathology and Laboratory Medicine, Sinai Health System
Classification: Likely benign for Malignant tumor of breast. Review status: no assertion criteria provided. Collection method: clinical testing. Allele origin: unknown. Affected: yes. Observed: 1 variant allele. Study: The Canadian Open Genetics Repository (COGR). Not counted in ClinVar's aggregate classification.
Comment: The CDH1 p.Asn432= variant was not identified in the literature nor was it identified in the databases. The variant was also identified in dbSNP (ID: rs187862045) as "With Likely benign, Uncertain significance allele", ClinVar (classified as likely benign by Invitae, Ambry Genetics and Color). The variant was identified in control databases in 17 of 277234 chromosomes at a frequency of 0.00006 (Genome Aggregation Database Feb 27, 2017). The variant was observed in the following populations: Other in 1 of 6466 chromosomes (freq: 0.0002), Latino in 2 of 34420 chromosomes (freq: 0.00006), Finnish in 14 of 25794 chromosomes (freq: 0.0005), while the variant was not observed in the African, European, Ashkenazi Jewish, East Asian, and South Asian populations. The p.Asn432= variant is not expected to have clinical significance because it does not result in a change of amino acid and is not located in a known consensus splice site. In addition, in silico or computational prediction software programs (SpliceSiteFinder, MaxEntScan, NNSPLICE, GeneSplicer) do not predict a difference in splicing. In summary, based on the above information the clinical significance of this variant cannot be determined with certainty at this time although we would lean towards a more benign role for this variant. This variant is classified as likely benign.